The following is an entry in ClinVar:

NM_001005361.3(DNM2):c.2558C>T (p.Ala853Val)

Gene: DNM2 (dynamin 2; plus strand). Cytogenetic location: 19p13.2.
Variant type: single nucleotide variant.
Coding change: c.2558C>T on transcript NM_001005361.3 (MANE Select); coding-DNA position 2558, C replaced by T.
Protein change: p.Ala853Val; replaces alanine 853 with valine.
Molecular consequence: missense variant.
Genome position (GRCh38, 1-based): chr19:10,830,992, C>T. VCF-style: chr19-10830992-C-T. GRCh37 (hg19) VCF-style: chr19-10941668-C-T.
Other names: c.2558C>T, p.Ala853Val (NM_001005360.3); c.2546C>T, p.Ala849Val (NM_001005362.3, NM_004945.4); c.2555C>T, p.Ala852Val (NM_001190716.2); short protein forms A849V, A852V, A853V.
Identifiers: ClinVar variation 4536693 (VCV004536693.1).
Genomic context (GRCh38, chr19:10,830,992, plus strand): 5'-CTCACTGCCGTCTCCCCCTCCCCACCTGTCTTTATTCTCTTTGCAGCAGAAGACCCCCTG[C>T]TGCGCCCAGCCGGCCCACCATTATCCGCCCAGCCGAGCCATCCCTGCTCGACTAGGCCTC-3'
Protein context (NP_001005361.1, residues 843-863): PPGVPSRRPP[Ala853Val]APSRPTIIRP

ClinVar aggregate classification (germline): Uncertain significance (1 of 4 stars; one submission).

Submission:

Women's Health and Genetics/Laboratory Corporation of America, LabCorp
Classification: Uncertain significance. Last evaluated: 2025-11-28. Review status: criteria provided, single submitter. Criteria: LabCorp Variant Classification Summary - May 2015. Collection method: clinical testing. Allele origin: germline.
Comment: Variant summary: DNM2 c.2558C>T (p.Ala853Val) results in a non-conservative amino acid change in the encoded protein sequence. Algorithms developed to predict the effect of missense changes on protein structure and function are either unavailable or do not agree on the potential impact of this missense change. The variant was absent in 241460 control chromosomes. The available data on variant occurrences in the general population are insufficient to allow any conclusion about variant significance. To our knowledge, no occurrence of c.2558C>T in individuals affected with DNM2-related conditions and no experimental evidence demonstrating its impact on protein function have been reported. No submitters have cited clinical-significance assessments for this variant to ClinVar. Based on the evidence outlined above, the variant was classified as uncertain significance.